The following is an entry in ClinVar:

ClinVar aggregate classification (germline): Likely benign (0 of 4 stars; one submission).

Conditions:
NCOA1-related disorder. Also called: NCOA1-related condition.

Submission:

PreventionGenetics, part of Exact Sciences
Classification: Likely benign for NCOA1-related condition. Last evaluated: 2024-06-26. Review status: no assertion criteria provided. Collection method: clinical testing. Allele origin: germline.
Comment: This variant is classified as likely benign based on ACMG/AMP sequence variant interpretation guidelines (Richards et al. 2015 PMID: 25741868, with internal and published modifications).

NM_003743.5(NCOA1):c.3423G>A (p.Gly1141=)

Gene: NCOA1 (nuclear receptor coactivator 1; plus strand). Cytogenetic location: 2p23.3.
Variant type: single nucleotide variant.
Coding change: c.3423G>A on transcript NM_003743.5 (MANE Select); coding-DNA position 3423, G replaced by A.
Protein change: p.Gly1141=; no amino-acid change (glycine 1141 retained).
Molecular consequence: synonymous variant.
Genome position (GRCh38, 1-based): chr2:24,741,903, G>A. VCF-style: chr2-24741903-G-A. GRCh37 (hg19) VCF-style: chr2-24964772-G-A.
Other names: c.3423G>A, p.Gly1141= (NM_001362950.1, NM_001362952.1, NM_001362954.1 and 3 more transcripts).
Identifiers: ClinVar variation 3347329 (VCV003347329.1).
Genomic context (GRCh38, chr2:24,741,903, plus strand): 5'-CCGACAGAGGCAGCTAATACAGCAGCAAAGAGCCATGCTTATGAGGCAGCAAAGCTTTGG[G>A]AACAACCTCCCTCCCTCATCTGGACTACCAGTTCAAATGGGGAACCCCCGTCTTCCTCAG-3'
Protein context (NP_003734.3, residues 1131-1151): RAMLMRQQSF[Gly1141=]NNLPPSSGLP